The following is an entry in ClinVar:

ClinVar aggregate classification (germline): Uncertain significance (1 of 4 stars; one submission).

Conditions:
Hereditary cancer-predisposing syndrome. Also called: Neoplastic Syndromes, Hereditary; Tumor predisposition; Hereditary neoplastic syndrome; Hereditary Cancer Syndrome. Identifiers: Orphanet 140162, MedGen C0027672, MeSH D009386, MONDO:0015356.

Submission:

Ambry Genetics
Classification: Uncertain significance for Hereditary cancer-predisposing syndrome. Last evaluated: 2026-07-06. Review status: criteria provided, single submitter. Criteria: Ambry Variant Classification Scheme 2023. Collection method: clinical testing. Allele origin: germline.
Comment: The p.A1150T variant (also known as c.3448G>A), located in coding exon 19 of the BRIP1 gene, results from a G to A substitution at nucleotide position 3448. The alanine at codon 1150 is replaced by threonine, an amino acid with similar properties. This amino acid position is conserved. In addition, this alteration is predicted to be tolerated by in silico analysis. Based on the available evidence, the clinical significance of this variant remains unclear.

NM_032043.3(BRIP1):c.3448G>A (p.Ala1150Thr)

Gene: BRIP1 (BRCA1 interacting DNA helicase 1; minus strand). Cytogenetic location: 17q23.2.
Variant type: single nucleotide variant.
Coding change: c.3448G>A on transcript NM_032043.3 (MANE Select); coding-DNA position 3448, G replaced by A.
Protein change: p.Ala1150Thr; replaces alanine 1150 with threonine.
Molecular consequence: missense variant.
Genome position (GRCh38, 1-based): chr17:61,683,598, C>T on the plus strand (G>A on the coding strand, the complement: BRIP1 is on the minus strand). VCF-style: chr17-61683598-C-T. GRCh37 (hg19) VCF-style: chr17-59760959-C-T.
Other names: short protein forms A1150T.
Identifiers: ClinVar variation 5033406 (VCV005033406.1).
Genomic context (GRCh38, chr17:61,683,598, plus strand): 5'-GGTCTTTAGCTAAAATGCAATCTGAATTGTTAGCCAATCTATTTCCTCTATCAGTTTCAG[C>T]TAGGTCATTTTTTTCTTCATCTGTATCTTCAGGATCATAAAGTTCAGGTGTAAAATAGAT-3'
Protein context (NP_114432.2, residues 1140-1160): EDTDEEKNDL[Ala1150Thr]ETDRGNRLAN